The following is an entry in ClinVar:

Single allele

Gene: TOP3B (DNA topoisomerase III beta; minus strand). Cytogenetic location: 22q11.22.
Variant type: Duplication.
Identifiers: ClinVar variation 157473 (VCV000157473.2).

ClinVar aggregate classification (germline): not provided (0 of 4 stars; one submission).

Conditions:
Large for gestational age. Identifiers: MedGen C1848395, HP:0001520.

Submission:

Institute of Molecular and Cell Biology, University of Tartu
No classification provided. Condition: Large for gestational age. Review status: no classification provided. Collection method: case-control. Allele origin: unknown. Affected: yes. Study: Kasak2014.
Comment: The study aimed to determine the contribution of copy number variants in the genetic etiology of normal and complicated pregnancies. The samples represented (i) maternal blood DNA drawn from healthy pregnant women during 1st or 2nd trimester and (ii) maternal and paternal blood DNA drawn at term pregnancy cases representing normal and complicated gestations (severe preeclampsia, PE; gestational diabetes, GD; small-for-gestational age newborn, SGA; large-for-gestational age newborn, LGA). We performed CNV calling based on genome-wide genotyping dataset (Illumina HumanOmniExpress-24-v1 BeadChip) by applying three algorithms, QuantiSNP, GADA (Genome Alteration Detection Algorithm) and CNstream in parallel. The acquired CNV calls were merged with HD-CNV (Hotspot Detector for Copy Number Variants) program and only the CNVs predicted by at least two programs, were considered in subsequent analysis.

Literature cited by the submitters: PubMed 25666259.